The following is an entry in ClinVar:

ClinVar aggregate classification (germline): Uncertain significance. Review status: criteria provided, multiple submitters, no conflicts (2 of 4 stars). 2 submissions from 2 submitters: Uncertain significance (2). Last evaluated 2025-10-27.

Allele frequency attached by ClinVar (database versions not stated): gnomAD exomes below 0.00001; gnomAD 0.00001; TOPMed 0.00001; ExAC 0.00002; 1000 Genomes Project 30x 0.00016; 1000 Genomes Project 0.00020.
gnomAD v4.1: 5 of 1,614,244 alleles (0.00031%); highest among the groups gnomAD compares: Admixed American, 0.0067%; no homozygotes.

Submissions (2):

Labcorp Genetics (formerly Invitae), Labcorp
Classification: Uncertain significance. Last evaluated: 2025-10-27. Review status: criteria provided, single submitter. Criteria: Invitae Variant Classification Sherloc (09022015). Collection method: clinical testing. Allele origin: germline.
Comment: This sequence change replaces glutamine, which is neutral and polar, with arginine, which is basic and polar, at codon 372 of the HK1 protein (p.Gln372Arg). This variant is present in population databases (rs576717469, gnomAD 0.006%). This variant has not been reported in the literature in individuals affected with HK1-related conditions. ClinVar contains an entry for this variant (Variation ID: 2723435). Invitae Evidence Modeling of protein sequence and biophysical properties (such as structural, functional, and spatial information, amino acid conservation, physicochemical variation, residue mobility, and thermodynamic stability) indicates that this missense variant is not expected to disrupt HK1 protein function with a negative predictive value of 80%. In summary, the available evidence is currently insufficient to determine the role of this variant in disease. Therefore, it has been classified as a Variant of Uncertain Significance.

CeGaT Center for Human Genetics Tuebingen
Classification: Uncertain significance. Last evaluated: 2025-01-01. Review status: criteria provided, single submitter. Criteria: CeGaT Center For Human Genetics Tuebingen Variant Classification Criteria Version 2. Collection method: clinical testing. Allele origin: germline. Affected: yes. Observed: 1 variant allele.
Comment: HK1: PP2

NM_000188.3(HK1):c.1115A>G (p.Gln372Arg)

Gene: HK1 (hexokinase 1; plus strand). Cytogenetic location: 10q22.1.
Variant type: single nucleotide variant.
Coding change: c.1115A>G on transcript NM_000188.3 (MANE Select); coding-DNA position 1115, A replaced by G.
Protein change: p.Gln372Arg; replaces glutamine 372 with arginine.
Molecular consequence: missense variant.
Genome position (GRCh38, 1-based): chr10:69,379,945, A>G. VCF-style: chr10-69379945-A-G. GRCh37 (hg19) VCF-style: chr10-71139701-A-G.
Other names: c.1127A>G, p.Gln376Arg (NM_001322364.2, NM_001358263.1, NM_033497.3 and 1 more transcripts); c.1220A>G, p.Gln407Arg (NM_001322365.2); c.1031A>G, p.Gln344Arg (NM_001322366.1); c.1019A>G, p.Gln340Arg (NM_001322367.1); c.1112A>G, p.Gln371Arg (NM_033496.3); c.1079A>G, p.Gln360Arg (NM_033500.2); short protein forms Q340R, Q372R, Q371R, Q407R, Q344R, Q360R, Q376R.
Identifiers: ClinVar variation 2723435 (VCV002723435.16), dbSNP rs576717469, ClinGen allele CA5532512.